The following is an entry in ClinVar:

NM_025000.4(DCAF17):c.982-2A>C

Gene: DCAF17 (DDB1 and CUL4 associated factor 17; plus strand). Cytogenetic location: 2q31.1.
Variant type: single nucleotide variant.
Coding change: c.982-2A>C on transcript NM_025000.4 (MANE Select); the canonical splice acceptor site of the intron before coding-DNA position 982, A replaced by C.
Molecular consequence: splice acceptor variant. On other transcripts: intron variant (1).
Genome position (GRCh38, 1-based): chr2:171,473,864, A>C. VCF-style: chr2-171473864-A-C. GRCh37 (hg19) VCF-style: chr2-172330374-A-C.
Other names: c.982-4123A>C (NM_001164821.2).
Identifiers: ClinVar variation 582382 (VCV000582382.7), dbSNP rs780493577, ClinGen allele CA1964861.
Genomic context (GRCh38, chr2:171,473,864, plus strand): 5'-GATTTGTAAAATCATTTGATTTTCCCTTAATCTTTGTCTTTAATACTTTTTTCCAACTTC[A>C]GGCAAAAAATGGGATCCAAGAAATGGATTGTTGTTCTCTAGAATCTGACTGGATCTATTT-3'

ClinVar aggregate classification (germline): Likely pathogenic (1 of 4 stars; one submission).

Conditions:
Woodhouse-Sakati syndrome. Also called: EXTRAPYRAMIDAL DISORDER, PROGRESSIVE, WITH PRIMARY HYPOGONADISM, MENTAL RETARDATION, AND ALOPECIA; Hypogonadism, Alopecia, Diabetes Mellitus, Mental Retardation, and Extrapyramidal Syndrome; Hypogonadism, diabetes mellitus, alopecia, mental retardation and electrocardiographic abnormalities. Identifiers: Orphanet 3464, MedGen C0342286, MONDO:0009419, OMIM 241080.

Allele frequency attached by ClinVar (database versions not stated): ExAC 0.00001; gnomAD 0.00001; TOPMed 0.00001.
gnomAD v4.1: 4 of 1,611,348 alleles (0.00025%); highest among the groups gnomAD compares: Admixed American, 0.0067%; no homozygotes.

Submission:

Labcorp Genetics (formerly Invitae), Labcorp
Classification: Likely pathogenic for Woodhouse-Sakati syndrome. Last evaluated: 2023-08-05. Review status: criteria provided, single submitter. Criteria: Invitae Variant Classification Sherloc (09022015). Collection method: clinical testing. Allele origin: germline.
Comment: This sequence change affects an acceptor splice site in intron 9 of the DCAF17 gene. It is expected to disrupt RNA splicing. Variants that disrupt the donor or acceptor splice site typically lead to a loss of protein function (PMID: 16199547), and loss-of-function variants in DCAF17 are known to be pathogenic (PMID: 19026396, 20507343). This variant is present in population databases (rs780493577, gnomAD 0.009%). This variant has not been reported in the literature in individuals affected with DCAF17-related conditions. ClinVar contains an entry for this variant (Variation ID: 582382). Algorithms developed to predict the effect of sequence changes on RNA splicing suggest that this variant may disrupt the consensus splice site. In summary, the currently available evidence indicates that the variant is pathogenic, but additional data are needed to prove that conclusively. Therefore, this variant has been classified as Likely Pathogenic.

Literature cited by the submitters: PubMed 16199547; PubMed 19026396; PubMed 20507343.